The following is an entry in ClinVar:

ClinVar aggregate classification (germline): Likely benign. Review status: criteria provided, multiple submitters, no conflicts (2 of 4 stars). 2 submissions from 2 submitters: Likely benign (2). Last evaluated 2025-04-11.

Conditions:
PRKAG2-related disorder. Also called: PRKAG2-related condition; PRKAG2-related disorders.
Lethal congenital glycogen storage disease of heart. Also called: GLYCOGEN STORAGE DISEASE OF HEART; PHOSPHORYLASE KINASE DEFICIENCY OF HEART. Identifiers: Orphanet 439854, MedGen C1849813, MONDO:0009867, OMIM 261740.

Submissions (2):

Labcorp Genetics (formerly Invitae), Labcorp
Classification: Likely benign for Lethal congenital glycogen storage disease of heart. Last evaluated: 2025-04-11. Review status: criteria provided, single submitter. Criteria: Invitae Variant Classification Sherloc (09022015). Collection method: clinical testing. Allele origin: germline.

PreventionGenetics, part of Exact Sciences
Classification: Likely benign for PRKAG2-related condition. Last evaluated: 2024-12-31. Review status: criteria provided, single submitter. Criteria: ACMG Guidelines, 2015. Collection method: clinical testing. Allele origin: germline.
Comment: This variant is classified as likely benign based on ACMG/AMP sequence variant interpretation guidelines (Richards et al. 2015 PMID: 25741868, with internal and published modifications).

NM_016203.4(PRKAG2):c.1437+8T>C

Gene: PRKAG2 (protein kinase AMP-activated non-catalytic subunit gamma 2; minus strand). Cytogenetic location: 7q36.1.
Variant type: single nucleotide variant.
Coding change: c.1437+8T>C on transcript NM_016203.4 (MANE Select); 8 bases into the intron after coding-DNA position 1437, T replaced by C.
Molecular consequence: intron variant.
Genome position (GRCh38, 1-based): chr7:151,565,338, A>G on the plus strand (T>C on the coding strand, the complement: PRKAG2 is on the minus strand). VCF-style: chr7-151565338-A-G. GRCh37 (hg19) VCF-style: chr7-151262424-A-G.
Other names: c.1146+8T>C (NM_001407031.1); c.1149+8T>C (NM_001407030.1); c.1434+8T>C (NM_001407023.1, NM_001407022.1); c.1437+8T>C (NM_001407021.1, NM_016203.3); c.1119+8T>C (NM_001407032.1); c.1302+8T>C (NM_001407026.1, NM_001407027.1); c.1305+8T>C (NM_001040633.2, NM_001407024.1); c.1113+8T>C (NM_001407033.1); and 6 more.
Identifiers: ClinVar variation 3604412 (VCV003604412.3).